The following is an entry in ClinVar:

NM_000059.4(BRCA2):c.4453A>T (p.Ile1485Leu)

Gene: BRCA2 (BRCA2 DNA repair associated; plus strand). Cytogenetic location: 13q13.1.
Variant type: single nucleotide variant.
Coding change: c.4453A>T on transcript NM_000059.4 (MANE Select); coding-DNA position 4453, A replaced by T.
Protein change: p.Ile1485Leu; replaces isoleucine 1485 with leucine.
Molecular consequence: missense variant.
Genome position (GRCh38, 1-based): chr13:32,338,808, A>T. VCF-style: chr13-32338808-A-T. GRCh37 (hg19) VCF-style: chr13-32912945-A-T.
Other names: short protein forms I1485L.
Identifiers: ClinVar variation 920106 (VCV000920106.6), dbSNP rs2072504654, ClinGen allele CA387781379.

ClinVar aggregate classification (germline): Conflicting classifications of pathogenicity. Review status: criteria provided, conflicting classifications (1 of 4 stars). 2 submissions from 2 submitters: Uncertain significance (1); Likely benign (1). Last evaluated 2023-12-04.

Conditions:
Hereditary cancer-predisposing syndrome. Also called: Neoplastic Syndromes, Hereditary; Tumor predisposition; Hereditary Cancer Syndrome; Hereditary neoplastic syndrome. Identifiers: Orphanet 140162, MedGen C0027672, MeSH D009386, MONDO:0015356.

Submissions (2):

Color Diagnostics, LLC DBA Color Health
Classification: Uncertain significance for Hereditary cancer-predisposing syndrome. Last evaluated: 2023-12-04. Review status: criteria provided, single submitter. Criteria: ACMG Guidelines, 2015. Collection method: clinical testing. Allele origin: germline.
Comment: This missense variant replaces isoleucine with leucine at codon 1485 of the BRCA2 protein. Computational prediction suggests that this variant may not impact protein structure and function (internally defined REVEL score threshold <= 0.5, PMID: 27666373). To our knowledge, functional studies have not been reported for this variant. This variant has not been reported in individuals affected with BRCA2-related disorders in the literature. This variant has not been identified in the general population by the Genome Aggregation Database (gnomAD). The available evidence is insufficient to determine the role of this variant in disease conclusively. Therefore, this variant is classified as a Variant of Uncertain Significance.

University of Washington Department of Laboratory Medicine, University of Washington
Classification: Likely benign for Hereditary cancer-predisposing syndrome. Last evaluated: 2023-03-23. Review status: criteria provided, single submitter. Criteria: Dines et al. (Genet Med. 2020). Collection method: curation. Allele origin: germline.
Comment: Missense variant in a coldspot region where missense variants are very unlikely to be pathogenic (PMID:31911673).

BRCA2 exon 11 coldspot. Reclassification based on statistical prior probability.